The following is an entry in ClinVar:

ClinVar aggregate classification (germline): Likely benign. Review status: criteria provided, multiple submitters, no conflicts (2 of 4 stars). 2 submissions from 2 submitters: Likely benign (2). Last evaluated 2024-07-29.

Conditions:
Long QT syndrome (LQTS). Identifiers: MedGen C0023976, MeSH D008133, MONDO:0002442. Disease mechanism: loss of function. Inheritance: Various modes of inheritance.
Cardiovascular phenotype. Identifiers: MedGen CN230736.

Allele frequency attached by ClinVar (database versions not stated): TOPMed below 0.00001.

Submissions (2):

All of Us Research Program, National Institutes of Health
Classification: Likely benign for Long QT syndrome. Last evaluated: 2024-07-29. Review status: criteria provided, single submitter. Criteria: ACMG Guidelines, 2015. Collection method: clinical testing. Allele origin: germline. Inheritance: Autosomal dominant inheritance. Observed: 1 variant allele, 1 heterozygote.
Comment: This study involves interpretation of variants in research participants for the purpose of population health screening. Participant phenotype was not available at the time of variant classification. Additional details can be found in publication PMID: 35346344, PMCID: PMC8962531

Ambry Genetics
Classification: Likely benign for Cardiovascular phenotype. Last evaluated: 2022-08-01. Review status: criteria provided, single submitter. Criteria: Ambry Variant Classification Scheme 2023. Collection method: clinical testing. Allele origin: germline.

NM_000218.3(KCNQ1):c.909G>A (p.Leu303=)

Gene: KCNQ1 (potassium voltage-gated channel subfamily Q member 1; plus strand). Cytogenetic location: 11p15.5.
Variant type: single nucleotide variant.
Coding change: c.909G>A on transcript NM_000218.3 (MANE Select); coding-DNA position 909, G replaced by A.
Protein change: p.Leu303=; no amino-acid change (leucine 303 retained).
Molecular consequence: synonymous variant. On other transcripts: intron variant (1).
Genome position (GRCh38, 1-based): chr11:2,572,974, G>A. VCF-style: chr11-2572974-G-A. GRCh37 (hg19) VCF-style: chr11-2594204-G-A.
Other names: c.909G>A, p.Leu303= (NM_001406836.1); c.639G>A, p.Leu213= (NM_001406837.1); c.528G>A, p.Leu176= (NM_181798.2); c.478-10461G>A (NM_001406838.1).
Identifiers: ClinVar variation 1765770 (VCV001765770.3), dbSNP rs1848364303, ClinGen allele CA472038199.